The following is an entry in ClinVar:

NM_024747.6(HPS6):c.1615G>A (p.Ala539Thr)

Gene: HPS6 (HPS6 biogenesis of lysosomal organelles complex 2 subunit 3; plus strand). Cytogenetic location: 10q24.32.
Variant type: single nucleotide variant.
Coding change: c.1615G>A on transcript NM_024747.6 (MANE Select); coding-DNA position 1615, G replaced by A.
Protein change: p.Ala539Thr; replaces alanine 539 with threonine.
Molecular consequence: missense variant.
Genome position (GRCh38, 1-based): chr10:102,067,089, G>A. VCF-style: chr10-102067089-G-A. GRCh37 (hg19) VCF-style: chr10-103826846-G-A.
Other names: short protein forms A539T.
Identifiers: ClinVar variation 1413545 (VCV001413545.8), dbSNP rs781703140, ClinGen allele CA377869886.

ClinVar aggregate classification (germline): Uncertain significance (1 of 4 stars; one submission).

Submission:

Labcorp Genetics (formerly Invitae), Labcorp
Classification: Uncertain significance. Last evaluated: 2022-07-26. Review status: criteria provided, single submitter. Criteria: Invitae Variant Classification Sherloc (09022015). Collection method: clinical testing. Allele origin: germline.
Comment: This variant is not present in population databases (gnomAD no frequency). This sequence change replaces alanine, which is neutral and non-polar, with threonine, which is neutral and polar, at codon 539 of the HPS6 protein (p.Ala539Thr). This variant has not been reported in the literature in individuals affected with HPS6-related conditions. In summary, the available evidence is currently insufficient to determine the role of this variant in disease. Therefore, it has been classified as a Variant of Uncertain Significance. Algorithms developed to predict the effect of missense changes on protein structure and function (SIFT, PolyPhen-2, Align-GVGD) all suggest that this variant is likely to be disruptive. ClinVar contains an entry for this variant (Variation ID: 1413545).